The following is an entry in ClinVar:

ClinVar aggregate classification (germline): Pathogenic (1 of 4 stars; one submission).

Conditions:
Aicardi-Goutieres syndrome 5. Identifiers: Orphanet 51, MedGen C2749659, MONDO:0013059, OMIM 612952.

Allele frequency attached by ClinVar (database versions not stated): TOPMed below 0.00001.

Submission:

Labcorp Genetics (formerly Invitae), Labcorp
Classification: Pathogenic for Aicardi-Goutieres syndrome 5. Last evaluated: 2023-12-02. Review status: criteria provided, single submitter. Criteria: Invitae Variant Classification Sherloc (09022015). Collection method: clinical testing. Allele origin: germline.
Comment: This sequence change creates a premature translational stop signal (p.Ala441Glyfs*9) in the SAMHD1 gene. It is expected to result in an absent or disrupted protein product. Loss-of-function variants in SAMHD1 are known to be pathogenic (PMID: 19525956, 22461318). This variant is not present in population databases (gnomAD no frequency). This variant has not been reported in the literature in individuals affected with SAMHD1-related conditions. ClinVar contains an entry for this variant (Variation ID: 1076079). Algorithms developed to predict the effect of sequence changes on RNA splicing suggest that this variant may disrupt the consensus splice site. For these reasons, this variant has been classified as Pathogenic.

Literature cited by the submitters: PubMed 19525956; PubMed 22461318.

NM_015474.4(SAMHD1):c.1321dup (p.Ala441fs)

Gene: SAMHD1 (SAM and HD domain containing deoxynucleoside triphosphate triphosphohydrolase 1; minus strand). Cytogenetic location: 20q11.23.
Variant type: Duplication.
Coding change: c.1321dup on transcript NM_015474.4 (MANE Select); coding-DNA position 1321, one base duplicated (G; older notation c.1321dupG).
Protein change: p.Ala441fs; shifts the reading frame from alanine 441.
Molecular consequence: frameshift variant.
Genome position (GRCh38, 1-based): chr20:36,905,453, C duplicated on the plus strand (G on the coding strand, the reverse complement: SAMHD1 is on the minus strand). VCF-style (leftmost placement, unchanged base first): chr20-36905452-G-GC. GRCh37 (hg19) VCF-style: chr20-35533855-G-GC.
Other names: c.1321dup, p.Ala441fs (NM_001363729.2, NM_001363733.2); short protein forms A441fs.
Identifiers: ClinVar variation 1076079 (VCV001076079.5), dbSNP rs2063399418, ClinGen allele CA2362309111.